The following is an entry in ClinVar:

NM_000214.3(JAG1):c.2080A>T (p.Lys694Ter)

Gene: JAG1 (jagged canonical Notch ligand 1; minus strand). Cytogenetic location: 20p12.2.
Variant type: single nucleotide variant.
Coding change: c.2080A>T on transcript NM_000214.3 (MANE Select); coding-DNA position 2080, A replaced by T.
Protein change: p.Lys694Ter; replaces lysine 694 with a stop codon.
Molecular consequence: nonsense.
Genome position (GRCh38, 1-based): chr20:10,645,389, T>A on the plus strand (A>T on the coding strand, the complement: JAG1 is on the minus strand). VCF-style: chr20-10645389-T-A. GRCh37 (hg19) VCF-style: chr20-10626037-T-A.
Other names: c.2080A>T, p.Lys694Ter (LRG_1191t1); short protein forms K694*.
Identifiers: ClinVar variation 234651 (VCV000234651.3), dbSNP rs876661142, ClinGen allele CA10577615.

ClinVar aggregate classification (germline): Pathogenic. Review status: criteria provided, multiple submitters, no conflicts (2 of 4 stars). 2 submissions from 2 submitters: Pathogenic (2). Last evaluated 2025-02-23.

Conditions:
Alagille syndrome due to a JAG1 point mutation. Also called: HEPATIC DUCTULAR HYPOPLASIA, SYNDROMATIC; Alagille Syndrome 1; JAG1-Related Alagille Syndrome. Identifiers: Orphanet 261619, Orphanet 52, MedGen C1956125, MONDO:0016862, OMIM 118450.

Submissions (2):

Labcorp Genetics (formerly Invitae), Labcorp
Classification: Pathogenic for Alagille syndrome due to a JAG1 point mutation. Last evaluated: 2025-02-23. Review status: criteria provided, single submitter. Criteria: Invitae Variant Classification Sherloc (09022015). Collection method: clinical testing. Allele origin: germline.
Comment: This sequence change creates a premature translational stop signal (p.Lys694*) in the JAG1 gene. It is expected to result in an absent or disrupted protein product. Loss-of-function variants in JAG1 are known to be pathogenic (PMID: 11180599). This variant is not present in population databases (gnomAD no frequency). This premature translational stop signal has been observed in individual(s) with Alagille syndrome (PMID: 36447191). ClinVar contains an entry for this variant (Variation ID: 234651). For these reasons, this variant has been classified as Pathogenic.

GeneDx
Classification: Pathogenic. Last evaluated: 2015-12-16. Review status: criteria provided, single submitter. Criteria: GeneDx Variant Classification (06012015). Collection method: clinical testing. Allele origin: germline. Affected: yes.
Comment: The K694X nonsense variant in the JAG1 gene is predicted to cause loss of normal protein function either through protein truncation or nonsense-mediated mRNA decay. Variants resulting in premature termination of protein translation account for more than 70% of mutations in the JAG1 gene associated with Alagille syndrome (Spinner et al., 2001). Although this pathogenic variant has not been reported previously to our knowledge, its presence is consistent with a diagnosis of Alagille syndrome.

Literature cited by the submitters: PubMed 11180599 (cited by Labcorp Genetics (formerly Invitae), Labcorp); PubMed 36447191 (cited by Labcorp Genetics (formerly Invitae), Labcorp).